The following is an entry in ClinVar:

ClinVar aggregate classification (germline): Uncertain significance (1 of 4 stars; one submission).

Submission:

GeneDx
Classification: Uncertain significance. Last evaluated: 2018-05-23. Review status: criteria provided, single submitter. Criteria: GeneDx Variant Classification (06012015). Collection method: clinical testing. Allele origin: germline. Affected: yes.
Comment: The M22I variant in the SPRED1 gene has not been reported previously as a pathogenic variant, nor as a benign variant, to our knowledge. The M22I variant is not observed in large population cohorts (Lek et al., 2016). The M22I variant is a conservative amino acid substitution, which is not likely to impact secondary protein structure as these residues share similar properties. In-silico analyses, including protein predictors and evolutionary conservation, support a deleterious effect. We interpret M22I as a variant of uncertain significance.

NM_152594.3(SPRED1):c.66G>T (p.Met22Ile)

Gene: SPRED1 (sprouty related EVH1 domain containing 1; plus strand). Cytogenetic location: 15q14.
Variant type: single nucleotide variant.
Coding change: c.66G>T on transcript NM_152594.3 (MANE Select); coding-DNA position 66, G replaced by T.
Protein change: p.Met22Ile; replaces methionine 22 with isoleucine.
Molecular consequence: missense variant.
Genome position (GRCh38, 1-based): chr15:38,299,406, G>T. VCF-style: chr15-38299406-G-T. GRCh37 (hg19) VCF-style: chr15-38591607-G-T.
Other names: short protein forms M22I.
Identifiers: ClinVar variation 546459 (VCV000546459.2), dbSNP rs1555389685, ClinGen allele CA391933883.
Genomic context (GRCh38, chr15:38,299,406, plus strand): 5'-AATTCCTGATCTTTGCATCTATTTTAGTAATAGTTATGCACGAGTGCGAGCTGTGGTGAT[G>T]ACCCGAGATGACTCAAGTGGTGGATGGTTACCACTTGGAGGGAGTGGACTAAGCAGCGTC-3'
Protein context (NP_689807.1, residues 12-32): NSYARVRAVV[Met22Ile]TRDDSSGGWL